The following is an entry in ClinVar:

NM_000051.4(ATM):c.3747-3dup

Gene: ATM (ATM serine/threonine kinase; plus strand). Cytogenetic location: 11q22.3.
Variant type: Duplication.
Coding change: c.3747-3dup on transcript NM_000051.4 (MANE Select); 3 bases into the intron before coding-DNA position 3747, one base duplicated (T; older notation c.3747-3dupT).
Molecular consequence: intron variant.
Genome position (GRCh38, 1-based): chr11:108,284,224, T duplicated; the last of 5 consecutive T bases (chr11:108,284,220-108,284,224); duplicating any one gives the same sequence. VCF-style (leftmost placement, unchanged base first): chr11-108284219-A-AT. GRCh37 (hg19) VCF-style: chr11-108154946-A-AT.
Other names: c.3747-3dup (NM_001351834.2).
Identifiers: ClinVar variation 1548287 (VCV001548287.9), dbSNP rs2135703985, ClinGen allele CA2573146631.

ClinVar aggregate classification (germline): Benign/Likely benign. Review status: criteria provided, multiple submitters, no conflicts (2 of 4 stars). 2 submissions from 2 submitters: Benign (1); Likely benign (1). Last evaluated 2024-05-15.

Conditions:
Familial cancer of breast. Also called: Hereditary breast cancer; hereditary breast carcinoma; BREAST CANCER, FAMILIAL. Identifiers: Orphanet 227535, MedGen C0346153, MONDO:0016419, OMIM 114480. Disease mechanism: loss of function.
Ataxia-telangiectasia syndrome (AT). Also called: Ataxia telangiectasia (A-T); ATAXIA-TELANGIECTASIA, COMPLEMENTATION GROUP A; ATAXIA-TELANGIECTASIA, FRESNO VARIANT; Ataxia-telangiectasia; Ataxia-telangiectasia, complementation group E; Cerebello-oculocutaneous telangiectasia. Identifiers: Orphanet 100, MedGen C0004135, MONDO:0008840, OMIM 208900.

Submissions (2):

Myriad Genetics, Inc.
Classification: Likely benign for Familial cancer of breast. Last evaluated: 2024-05-15. Review status: criteria provided, single submitter. Criteria: Myriad Autosomal Dominant, Autosomal Recessive and X-Linked Classification Criteria (2023). Collection method: clinical testing. Allele origin: unknown.
Comment: This variant is considered likely benign. This variant is intronic and is not expected to impact mRNA splicing.

Labcorp Genetics (formerly Invitae), Labcorp
Classification: Benign for Ataxia-telangiectasia syndrome. Last evaluated: 2021-09-30. Review status: criteria provided, single submitter. Criteria: Invitae Variant Classification Sherloc (09022015). Collection method: clinical testing. Allele origin: germline.